The following is an entry in ClinVar:

ClinVar aggregate classification (germline): Benign/Likely benign. Review status: criteria provided, multiple submitters, no conflicts (2 of 4 stars). 3 submissions from 3 submitters: Benign (1); Likely benign (2). Last evaluated 2026-09-01.

Allele frequency attached by ClinVar (database versions not stated): TOPMed 0.00014; gnomAD 0.00016; 1000 Genomes Project 0.00020; 1000 Genomes Project 30x 0.00031.

Submissions (3):

CeGaT Center for Human Genetics Tuebingen
Classification: Likely benign. Last evaluated: 2026-09-01. Review status: criteria provided, single submitter. Criteria: CeGaT Center For Human Genetics Tuebingen Variant Classification Criteria Version 2. Collection method: clinical testing. Allele origin: germline. Affected: yes. Observed: 3 variant alleles.
Comment: INTS1: BP4, BP7

Blueprint Genetics
Classification: Likely benign. Last evaluated: 2024-10-30. Review status: criteria provided, single submitter. Criteria: ACMG Guidelines, 2015. Collection method: clinical testing. Allele origin: germline.

Labcorp Genetics (formerly Invitae), Labcorp
Classification: Benign. Last evaluated: 2018-07-27. Review status: criteria provided, single submitter. Criteria: Invitae Variant Classification Sherloc (09022015). Collection method: clinical testing. Allele origin: germline.

NM_001080453.3(INTS1):c.5667C>T (p.His1889=)

Genes: INTS1 (integrator complex subunit 1; minus strand), LOC129997773 (ATAC-STARR-seq lymphoblastoid silent region 17853; plus strand). Cytogenetic location: 7p22.3.
Variant type: single nucleotide variant.
Coding change: c.5667C>T on transcript NM_001080453.3 (MANE Select); coding-DNA position 5667, C replaced by T.
Protein change: p.His1889=; no amino-acid change (histidine 1889 retained).
Molecular consequence: synonymous variant.
Genome position (GRCh38, 1-based): chr7:1,474,330, G>A on the plus strand (C>T on the coding strand, the complement: INTS1 is on the minus strand). VCF-style: chr7-1474330-G-A. GRCh37 (hg19) VCF-style: chr7-1513966-G-A.
Identifiers: ClinVar variation 756223 (VCV000756223.6), dbSNP rs188391513, ClinGen allele CA4118325.
Genomic context (GRCh38, chr7:1,474,330, plus strand): 5'-CAGGAAGCAGCTCAGGTGGTTCTGCTGCCGGAACTCCTGGAAGTTGAGGTGGGTGCGGCC[G>A]TGCAGGAGCGCCGCGATCATGGGCAGGTGCCTGCGGGCGCGGTGAGGGCCCAGTCAGCCC-3'
Protein context (NP_001073922.2, residues 1879-1899): RHLPMIAALL[His1889=]GRTHLNFQEF